The following is an entry in ClinVar:

ClinVar aggregate classification (germline): Pathogenic. Review status: reviewed by expert panel (3 of 4 stars). 2 submissions from 2 submitters: Pathogenic (1). 1 of the submissions does not count toward it. Last evaluated 2025-09-21.

Conditions:
ATM-related cancer predisposition. Also called: ATM-related cancer susceptibility. Identifiers: MedGen CN377759, MONDO:0700270.
Ataxia-telangiectasia syndrome (AT). Also called: ATAXIA-TELANGIECTASIA, COMPLEMENTATION GROUP A; ATAXIA-TELANGIECTASIA, FRESNO VARIANT; Ataxia-telangiectasia; Ataxia-telangiectasia, complementation group E; LOUIS-BAR SYNDROME; Cerebello-oculocutaneous telangiectasia. Identifiers: Orphanet 100, MedGen C0004135, MONDO:0008840, OMIM 208900.

Submissions (2):

ClinGen Hereditary Breast, Ovarian and Pancreatic Cancer Variant Curation Expert Panel, ClinGen
Classification: Pathogenic for ATM-related cancer predisposition. Last evaluated: 2025-09-21. Review status: reviewed by expert panel. Criteria: ClinGen HBOP ACMG Specifications ATM V1.3.0. Collection method: curation. Allele origin: germline. Inheritance: Autosomal dominant inheritance.
Comment: The c.6136del (p.Leu2046*) variant in ATM is a nonsense variant predicted to cause a premature stop codon in biologically-relevant-exon leading to nonsense mediated decay in a gene in which loss-of-function is an established disease mechanism. This alteration results in a termination codon upstream of the most C-terminal pathogenic alteration (ATM p.Arg3047*), as classified by the HBOP VCEP, and is expected to be more deleterious. This variant has been identified in at least one individual with Ataxia-Telangiectasia (PMID: 26896183). This variant is absent from gnomAD v.4.1.0. In summary, this variant meets the criteria to be classified as pathogenic for autosomal dominant ATM-related cancer predisposition and autosomal recessive Ataxia-Telangiectasia based on the ACMG/AMP criteria applied as specified by the HBOP VCEP. (PVS1, PM5_Supporting, PM3, PM2_Supporting)

Labcorp Genetics (formerly Invitae), Labcorp
Classification: Pathogenic for Ataxia-telangiectasia syndrome. Last evaluated: 2022-02-25. Review status: criteria provided, single submitter. Criteria: Invitae Variant Classification Sherloc (09022015). Collection method: clinical testing. Allele origin: germline. Not counted in ClinVar's aggregate classification.
Comment: This sequence change creates a premature translational stop signal (p.Leu2046*) in the ATM gene. It is expected to result in an absent or disrupted protein product. Loss-of-function variants in ATM are known to be pathogenic (PMID: 23807571, 25614872). This variant is not present in population databases (gnomAD no frequency). This premature translational stop signal has been observed in individual(s) with clinical features of ataxia-telangiectasia (PMID: 30549301). For these reasons, this variant has been classified as Pathogenic.

Literature cited by the submitters: PubMed 23807571 (cited by Labcorp Genetics (formerly Invitae), Labcorp); PubMed 25614872 (cited by Labcorp Genetics (formerly Invitae), Labcorp); PubMed 30549301 (cited by Labcorp Genetics (formerly Invitae), Labcorp).

NM_000051.4(ATM):c.6136del (p.Ala2045_Leu2046insTer)

Genes: ATM (ATM serine/threonine kinase; plus strand), C11orf65 (chromosome 11 open reading frame 65; minus strand). Cytogenetic location: 11q22.3.
Variant type: Deletion.
Coding change: c.6136del on transcript NM_000051.4 (MANE Select); coding-DNA position 6136, one base deleted (C; older notation c.6136delC).
Protein change: p.Ala2045_Leu2046insTer.
Molecular consequence: nonsense. On other transcripts: intron variant (2).
Genome position (GRCh38, 1-based): chr11:108,316,051, C deleted; the last of 3 consecutive C bases (chr11:108,316,049-108,316,051); deleting any one gives the same sequence. VCF-style (leftmost placement, unchanged base first): chr11-108316048-GC-G. GRCh37 (hg19) VCF-style: chr11-108186775-GC-G.
Other names: NM_000051.4(ATM):c.6136del; p.Ala2045_Leu2046insTer; c.6136del, p.Ala2045_Leu2046insTer (NM_001351834.2); c.641-6978del (NM_001330368.2); c.*39-6978del (NM_001351110.2).
Identifiers: ClinVar variation 2169563 (VCV002169563.4), dbSNP rs2547094995, ClinGen allele CA2580083090.